The following is an entry in ClinVar:

NM_022788.5(P2RY12):c.-180+16966G>A

Genes: MED12L (mediator complex subunit 12L; plus strand), P2RY12 (purinergic receptor P2Y12; minus strand). Cytogenetic location: 3q25.1.
Variant type: single nucleotide variant.
Coding change: c.-180+16966G>A on transcript NM_022788.5 (MANE Select); 16966 bases into the intron after 180 bases upstream of the start codon, G replaced by A.
Molecular consequence: intron variant. On other transcripts: synonymous variant (2).
Genome position (GRCh38, 1-based): chr3:151,367,726, C>T on the plus strand (G>A on the coding strand, the complement: P2RY12 is on the minus strand). VCF-style: chr3-151367726-C-T. GRCh37 (hg19) VCF-style: chr3-151085514-C-T.
Other names: c.3408C>T, p.Asp1136= (NM_001393769.1); c.3303C>T, p.Asp1101= (NM_053002.6); c.3303C>T (NM_053002.5).
Identifiers: ClinVar variation 3024871 (VCV003024871.24), dbSNP rs141664377, ClinGen allele CA2668251.
Genomic context (GRCh38, chr3:151,367,726, plus strand): 5'-TGATTCATTAGCTACTTTCATTGCTATTCTGATAGCACGACAGTGTTTTTCCCTGGAGGA[C>T]GTCGTGCAGCATGTCGCACTTCCCTCTCTTCTAGCAGCAGGTAAGGCAGCATCCATGAAC-3'

ClinVar aggregate classification (germline): Likely benign. Review status: criteria provided, multiple submitters, no conflicts (2 of 4 stars). 3 submissions from 3 submitters: Likely benign (3). Last evaluated 2026-09-01.

Conditions:
MED12L-related disorder. Also called: MED12L-related condition.

Allele frequency attached by ClinVar (database versions not stated): 1000 Genomes Project 0.00140; 1000 Genomes Project 30x 0.00203; ExAC 0.00298; gnomAD 0.00315; TOPMed 0.00331; ESP Exome Variant Server 0.00454.
gnomAD v4.1: 7,458 of 1,611,366 alleles (0.46%); highest among the groups gnomAD compares: Non-Finnish European, 0.58%; 28 homozygotes.

Submissions (3):

CeGaT Center for Human Genetics Tuebingen
Classification: Likely benign. Last evaluated: 2026-09-01. Review status: criteria provided, single submitter. Criteria: CeGaT Center For Human Genetics Tuebingen Variant Classification Criteria Version 2. Collection method: clinical testing. Allele origin: germline. Affected: yes. Observed: 11 variant alleles.
Comment: P2RY12: BS2

PreventionGenetics, part of Exact Sciences
Classification: Likely benign for MED12L-related condition. Last evaluated: 2026-05-01. Review status: criteria provided, single submitter. Criteria: ACMG Guidelines, 2015. Collection method: clinical testing. Allele origin: germline.
Comment: This variant is classified as likely benign based on ACMG/AMP sequence variant interpretation guidelines (Richards et al. 2015 PMID: 25741868, with internal and published modifications).

Blueprint Genetics
Classification: Likely benign. Last evaluated: 2024-11-21. Review status: criteria provided, single submitter. Criteria: ACMG Guidelines, 2015. Collection method: clinical testing. Allele origin: germline.